The following is an entry in ClinVar:

NM_000092.5(COL4A4):c.4151dup (p.Pro1385fs)

Gene: COL4A4 (collagen type IV alpha 4 chain; minus strand). Cytogenetic location: 2q36.3.
Variant type: Duplication.
Coding change: c.4151dup on transcript NM_000092.5 (MANE Select); coding-DNA position 4151, one base duplicated (C; older notation c.4151dupC).
Protein change: p.Pro1385fs; shifts the reading frame from proline 1385.
Molecular consequence: frameshift variant.
Genome position (GRCh38, 1-based): chr2:227,022,113, G duplicated on the plus strand (C on the coding strand, the reverse complement: COL4A4 is on the minus strand). VCF-style (leftmost placement, unchanged base first): chr2-227022112-C-CG. GRCh37 (hg19) VCF-style: chr2-227886828-C-CG.
Other names: short protein forms P1385fs.
Identifiers: ClinVar variation 2766741 (VCV002766741.4), dbSNP rs2473007651, ClinGen allele CA2697550491.
Genomic context (GRCh38, chr2:227,022,112, plus strand): 5'-TCCTGAGGGGCCTCTCATTCCAGGGAGCCCCATGGCTCCTTCTGGTCCTCTCATGCCTGG[C>CG]GCCCCAGGAAGGCCTGGGATTCGGGGACAGTCATCCACATCTGCAGGTGGCCCCGGTTCA-3'

ClinVar aggregate classification (germline): Pathogenic/Likely pathogenic. Review status: criteria provided, multiple submitters, no conflicts (2 of 4 stars). 2 submissions from 2 submitters: Pathogenic (1); Likely pathogenic (1). Last evaluated 2024-03-18.

Conditions:
Autosomal recessive Alport syndrome (ATS2). Also called: Alport syndrome type 2; COL4A4 Alport Syndrome and Thin Basement Membrane Nephropathy; ALPORT SYNDROME 2, AUTOSOMAL RECESSIVE; COL4A3-Related Nephropathy. Identifiers: Orphanet 63, Orphanet 88919, MedGen C4746745, MONDO:0008762, OMIM 203780.
Hematuria, benign familial, 1 (BFH1). Also called: THIN MEMBRANE NEPHROPATHY. Identifiers: MedGen CN376803, MONDO:0007709, OMIM 141200.

Submissions (2):

Fulgent Genetics
Classification: Likely pathogenic for Hematuria, benign familial, 1; Autosomal recessive Alport syndrome. Last evaluated: 2024-03-18. Review status: criteria provided, single submitter. Criteria: ACMG Guidelines, 2015. Collection method: clinical testing. Allele origin: germline.

Labcorp Genetics (formerly Invitae), Labcorp
Classification: Pathogenic. Last evaluated: 2023-12-27. Review status: criteria provided, single submitter. Criteria: Invitae Variant Classification Sherloc (09022015). Collection method: clinical testing. Allele origin: germline.
Comment: This sequence change creates a premature translational stop signal (p.Pro1385Alafs*48) in the COL4A4 gene. It is expected to result in an absent or disrupted protein product. Loss-of-function variants in COL4A4 are known to be pathogenic (PMID: 21196518, 24854265, 25307543). This variant is not present in population databases (gnomAD no frequency). This variant has not been reported in the literature in individuals affected with COL4A4-related conditions. For these reasons, this variant has been classified as Pathogenic.

Literature cited by the submitters: PubMed 21196518 (cited by Labcorp Genetics (formerly Invitae), Labcorp); PubMed 24854265 (cited by Labcorp Genetics (formerly Invitae), Labcorp); PubMed 25307543 (cited by Labcorp Genetics (formerly Invitae), Labcorp).